The following is an entry in ClinVar:

ClinVar aggregate classification (germline): Uncertain significance (1 of 4 stars; one submission).

gnomAD v4.1: 1 of 1,612,910 alleles (0.000062%); highest among the groups gnomAD compares: East Asian, 0.0022%; no homozygotes.

Submission:

GeneDx
Classification: Uncertain significance. Last evaluated: 2026-04-17. Review status: criteria provided, single submitter. Criteria: GeneDx Variant Classification Process June 2021. Collection method: clinical testing. Allele origin: germline.
Comment: Not observed at significant frequency in large population cohorts (gnomAD); In silico analysis supports that this missense variant has a deleterious effect on protein structure/function; Has not been previously published as pathogenic or benign to our knowledge

NM_133259.4(LRPPRC):c.1631T>A (p.Leu544Gln)

Genes: LRPPRC (leucine rich pentatricopeptide repeat containing; minus strand), LOC129388857 (MPRA-validated peak3685 silencer; plus strand). Cytogenetic location: 2p21.
Variant type: single nucleotide variant.
Coding change: c.1631T>A on transcript NM_133259.4 (MANE Select); coding-DNA position 1631, T replaced by A.
Protein change: p.Leu544Gln; replaces leucine 544 with glutamine.
Molecular consequence: missense variant.
Genome position (GRCh38, 1-based): chr2:43,957,403, A>T on the plus strand (T>A on the coding strand, the complement: LRPPRC is on the minus strand). VCF-style: chr2-43957403-A-T. GRCh37 (hg19) VCF-style: chr2-44184542-A-T.
Other names: short protein forms L544Q.
Identifiers: ClinVar variation 3899824 (VCV003899824.2).